The following is an entry in ClinVar:

NM_016356.5(DCDC2):c.755G>C (p.Gly252Ala)

Gene: DCDC2 (doublecortin domain containing 2; minus strand). Cytogenetic location: 6p22.3.
Variant type: single nucleotide variant.
Coding change: c.755G>C on transcript NM_016356.5 (MANE Select); coding-DNA position 755, G replaced by C.
Protein change: p.Gly252Ala; replaces glycine 252 with alanine.
Molecular consequence: missense variant.
Genome position (GRCh38, 1-based): chr6:24,288,856, C>G on the plus strand (G>C on the coding strand, the complement: DCDC2 is on the minus strand). VCF-style: chr6-24288856-C-G. GRCh37 (hg19) VCF-style: chr6-24289084-C-G.
Other names: c.755G>C, p.Gly252Ala (NM_001195610.2); short protein forms G252A.
Identifiers: ClinVar variation 1949715 (VCV001949715.5), dbSNP rs1190155886, ClinGen allele CA363279203.

ClinVar aggregate classification (germline): Uncertain significance (1 of 4 stars; one submission).

Conditions:
Autosomal recessive nonsyndromic hearing loss 66 (DFNB66). Also called: Deafness, autosomal recessive 66. Identifiers: Orphanet 90636, MedGen C1857750, MONDO:0012442, OMIM 610212.
Isolated neonatal sclerosing cholangitis (NSC). Also called: Sclerosing cholangitis, neonatal. Identifiers: Orphanet 480556, MedGen C4479344, MONDO:0018816, OMIM 617394.

gnomAD v4.1: 1 of 1,611,214 alleles (0.000062%); highest among the groups gnomAD compares: African/African-American, 0.0013%; no homozygotes.

Submission:

Labcorp Genetics (formerly Invitae), Labcorp
Classification: Uncertain significance for Autosomal recessive nonsyndromic hearing loss 66; Isolated neonatal sclerosing cholangitis. Last evaluated: 2022-08-31. Review status: criteria provided, single submitter. Criteria: Invitae Variant Classification Sherloc (09022015). Collection method: clinical testing. Allele origin: germline.
Comment: In summary, the available evidence is currently insufficient to determine the role of this variant in disease. Therefore, it has been classified as a Variant of Uncertain Significance. Algorithms developed to predict the effect of missense changes on protein structure and function (SIFT, PolyPhen-2, Align-GVGD) all suggest that this variant is likely to be tolerated. This variant has not been reported in the literature in individuals affected with DCDC2-related conditions. This variant is not present in population databases (gnomAD no frequency). This sequence change replaces glycine, which is neutral and non-polar, with alanine, which is neutral and non-polar, at codon 252 of the DCDC2 protein (p.Gly252Ala).